The following is an entry in ClinVar:

ClinVar aggregate classification (germline): Uncertain significance (1 of 4 stars; one submission).

Conditions:
Catecholaminergic polymorphic ventricular tachycardia (CVPT). Also called: Catecholamine-induced polymorphic ventricular tachycardia. Identifiers: Orphanet 3286, MedGen C5574922, MONDO:0017990.

Submission:

All of Us Research Program, National Institutes of Health
Classification: Uncertain significance for Catecholaminergic polymorphic ventricular tachycardia. Last evaluated: 2024-05-14. Review status: criteria provided, single submitter. Criteria: ACMG Guidelines, 2015. Collection method: clinical testing. Allele origin: germline. Inheritance: Autosomal dominant inheritance. Observed: 1 variant allele, 1 heterozygote.
Comment: This missense variant replaces alanine with threonine at codon 2841 of the RYR2 protein. Computational prediction suggests that this variant may have deleterious impact on protein structure and function (internally defined REVEL score threshold >= 0.7, PMID: 27666373). To our knowledge, functional studies have not been reported for this variant. This variant has not been reported in individuals affected with RYR2-related disorders in the literature. This variant has not been identified in the general population by the Genome Aggregation Database (gnomAD). The available evidence is insufficient to determine the role of this variant in disease conclusively. Therefore, this variant is classified as a Variant of Uncertain Significance.

This study involves interpretation of variants in research participants for the purpose of population health screening. Participant phenotype was not available at the time of variant classification. Additional details can be found in publication PMID: 35346344, PMCID: PMC8962531

NM_001035.3(RYR2):c.8521G>A (p.Ala2841Thr)

Gene: RYR2 (ryanodine receptor 2; plus strand). Cytogenetic location: 1q43.
Variant type: single nucleotide variant.
Coding change: c.8521G>A on transcript NM_001035.3 (MANE Select); coding-DNA position 8521, G replaced by A.
Protein change: p.Ala2841Thr; replaces alanine 2841 with threonine.
Molecular consequence: missense variant.
Genome position (GRCh38, 1-based): chr1:237,667,889, G>A. VCF-style: chr1-237667889-G-A. GRCh37 (hg19) VCF-style: chr1-237831189-G-A.
Other names: short protein forms A2841T.
Identifiers: ClinVar variation 3385797 (VCV003385797.1).